The following is an entry in ClinVar:

NM_001128425.2(MUTYH):c.171G>A (p.Met57Ile)

Gene: MUTYH (mutY DNA glycosylase; minus strand). Cytogenetic location: 1p34.1.
Variant type: single nucleotide variant.
Coding change: c.171G>A on transcript NM_001128425.2 (MANE Plus Clinical); coding-DNA position 171, G replaced by A.
Protein change: p.Met57Ile; replaces methionine 57 with isoleucine.
Molecular consequence: missense variant. On other transcripts: initiator codon variant (1), intron variant (24).
Genome position (GRCh38, 1-based): chr1:45,333,590, C>T on the plus strand (G>A on the coding strand, the complement: MUTYH is on the minus strand). VCF-style: chr1-45333590-C-T. GRCh37 (hg19) VCF-style: chr1-45799262-C-T.
Other names: c.120G>A, p.Met40Ile (NM_001293191.2, NM_001407077.1); c.162G>A, p.Met54Ile (NM_001407069.1, NM_012222.3); c.3G>A, p.Met1Ile (NM_001407075.1); c.129G>A, p.Met43Ile (NM_001407083.1, NM_001407085.1); c.116-29G>A (NM_001407072.1, NM_001048171.2, NM_001407070.1 and 7 more transcripts); c.-92-93G>A (NM_001350651.2, NM_001407082.1); c.-97-93G>A (NM_001293192.2, NM_001293196.2, NM_001407091.1); c.-156-29G>A (NM_001350650.2); and 4 more; short protein forms M1I, M40I, M54I, M57I, M43I.
Identifiers: ClinVar variation 3655755 (VCV003655755.4).

ClinVar aggregate classification (germline): Uncertain significance. Review status: criteria provided, multiple submitters, no conflicts (2 of 4 stars). 3 submissions from 3 submitters: Uncertain significance (3). Last evaluated 2025-05-13.

Conditions:
Familial adenomatous polyposis 2. Also called: COLORECTAL ADENOMATOUS POLYPOSIS, AUTOSOMAL RECESSIVE; ADENOMAS, MULTIPLE COLORECTAL, AUTOSOMAL RECESSIVE; MYH-associated polyposis; FAP type 2; MUTYH-associated polyposis; MUTYH-related attenuated familial adenomatous polyposis. Identifiers: Orphanet 220460, Orphanet 247798, MedGen C3272841, MONDO:0012041, OMIM 608456.
Gastric cancer. Also called: Stomach cancer; Malignant tumor of stomach. Identifiers: MedGen C0024623, MeSH D013274, MONDO:0001056, OMIM 613659, HP:0012126.
Hereditary cancer-predisposing syndrome. Also called: Neoplastic Syndromes, Hereditary; Tumor predisposition; Hereditary Cancer Syndrome; Hereditary neoplastic syndrome. Identifiers: Orphanet 140162, MedGen C0027672, MeSH D009386, MONDO:0015356.

Submissions (3):

Ambry Genetics
Classification: Uncertain significance for Hereditary cancer-predisposing syndrome. Last evaluated: 2025-05-13. Review status: criteria provided, single submitter. Criteria: Ambry Variant Classification Scheme 2023. Collection method: clinical testing. Allele origin: germline.
Comment: The p.M57I variant (also known as c.171G>A), located in coding exon 3 of the MUTYH gene, results from a G to A substitution at nucleotide position 171. The methionine at codon 57 is replaced by isoleucine, an amino acid with highly similar properties. This amino acid position is conserved. In addition, this alteration is predicted to be tolerated by in silico analysis. Based on the available evidence, the clinical significance of this variant remains unclear.

Department of Pathology and Laboratory Medicine, Sinai Health System
Classification: Uncertain significance for Familial adenomatous polyposis 2; Gastric cancer. Last evaluated: 2024-06-24. Review status: criteria provided, single submitter. Criteria: ACMG Guidelines, 2015. Collection method: clinical testing. Allele origin: germline. Affected: yes.

Labcorp Genetics (formerly Invitae), Labcorp
Classification: Uncertain significance for Familial adenomatous polyposis 2. Last evaluated: 2024-06-06. Review status: criteria provided, single submitter. Criteria: Invitae Variant Classification Sherloc (09022015). Collection method: clinical testing. Allele origin: germline.
Comment: This sequence change replaces methionine, which is neutral and non-polar, with isoleucine, which is neutral and non-polar, at codon 57 of the MUTYH protein (p.Met57Ile). This variant is not present in population databases (gnomAD no frequency). This variant has not been reported in the literature in individuals affected with MUTYH-related conditions. An algorithm developed to predict the effect of missense changes on protein structure and function (PolyPhen-2) suggests that this variant is likely to be tolerated. In summary, the available evidence is currently insufficient to determine the role of this variant in disease. Therefore, it has been classified as a Variant of Uncertain Significance.